The following is an entry in ClinVar:

NM_001048174.2(MUTYH):c.536C>A (p.Thr179Asn)

Gene: MUTYH (mutY DNA glycosylase; minus strand). Cytogenetic location: 1p34.1.
Variant type: single nucleotide variant.
Coding change: c.536C>A on transcript NM_001048174.2 (MANE Select); coding-DNA position 536, C replaced by A.
Protein change: p.Thr179Asn; replaces threonine 179 with asparagine.
Molecular consequence: missense variant. On other transcripts: non-coding transcript variant (2).
Genome position (GRCh38, 1-based): chr1:45,332,644, G>T on the plus strand (C>A on the coding strand, the complement: MUTYH is on the minus strand). VCF-style: chr1-45332644-G-T. GRCh37 (hg19) VCF-style: chr1-45798316-G-T.
Other names: c.536C>A, p.Thr179Asn (NM_001048171.2, NM_001048173.2, NM_001293195.2); c.539C>A, p.Thr180Asn (NM_001048172.2); c.620C>A, p.Thr207Asn (NM_001128425.2); c.581C>A, p.Thr194Asn (NM_001293190.2); c.569C>A, p.Thr190Asn (NM_001293191.2); c.260C>A, p.Thr87Asn (NM_001293192.2, NM_001293196.2); c.191C>A, p.Thr64Asn (NM_001350650.2, NM_001350651.2); c.611C>A, p.Thr204Asn (NM_012222.3); short protein forms T204N, T180N, T194N, T207N, T190N, T179N, T64N, T87N.
Identifiers: ClinVar variation 938585 (VCV000938585.10), dbSNP rs749896967, ClinGen allele CA340135385.

ClinVar aggregate classification (germline): Uncertain significance. Review status: criteria provided, multiple submitters, no conflicts (2 of 4 stars). 2 submissions from 2 submitters: Uncertain significance (2). Last evaluated 2025-08-27.

Conditions:
Familial adenomatous polyposis 2. Also called: Adenomas, multiple colorectal; MUTYH Polyposis; COLORECTAL ADENOMATOUS POLYPOSIS, AUTOSOMAL RECESSIVE; ADENOMAS, MULTIPLE COLORECTAL, AUTOSOMAL RECESSIVE; MUTYH-associated polyposis; MUTYH-related attenuated familial adenomatous polyposis. Identifiers: Orphanet 220460, Orphanet 247798, MedGen C3272841, MONDO:0012041, OMIM 608456.
Hereditary cancer-predisposing syndrome. Also called: Neoplastic Syndromes, Hereditary; Tumor predisposition; Hereditary Cancer Syndrome; Hereditary neoplastic syndrome. Identifiers: Orphanet 140162, MedGen C0027672, MeSH D009386, MONDO:0015356.

Submissions (2):

Ambry Genetics
Classification: Uncertain significance for Hereditary cancer-predisposing syndrome. Last evaluated: 2025-08-27. Review status: criteria provided, single submitter. Criteria: Ambry Variant Classification Scheme 2023. Collection method: clinical testing. Allele origin: germline.
Comment: The p.T207N variant (also known as c.620C>A), located in coding exon 8 of the MUTYH gene, results from a C to A substitution at nucleotide position 620. The threonine at codon 207 is replaced by asparagine, an amino acid with similar properties. This amino acid position is conserved. In addition, this alteration is predicted to be tolerated by in silico analysis. Based on the available evidence, the clinical significance of this variant remains unclear.

Labcorp Genetics (formerly Invitae), Labcorp
Classification: Uncertain significance for Familial adenomatous polyposis 2. Last evaluated: 2023-07-17. Review status: criteria provided, single submitter. Criteria: Invitae Variant Classification Sherloc (09022015). Collection method: clinical testing. Allele origin: germline.
Comment: In summary, the available evidence is currently insufficient to determine the role of this variant in disease. Therefore, it has been classified as a Variant of Uncertain Significance. An algorithm developed to predict the effect of missense changes on protein structure and function (PolyPhen-2) suggests that this variant is likely to be tolerated. ClinVar contains an entry for this variant (Variation ID: 938585). This variant has not been reported in the literature in individuals affected with MUTYH-related conditions. This variant is not present in population databases (gnomAD no frequency). This sequence change replaces threonine, which is neutral and polar, with asparagine, which is neutral and polar, at codon 207 of the MUTYH protein (p.Thr207Asn).